The following is an entry in ClinVar:

ClinVar aggregate classification (germline): Uncertain significance. Review status: criteria provided, multiple submitters, no conflicts (2 of 4 stars). 3 submissions from 3 submitters: Uncertain significance (3). Last evaluated 2024-09-10.

Conditions:
Fraser syndrome 2 (FRASRS2). Identifiers: MedGen C4540036, MONDO:0054738, OMIM 617666.
Isolated cryptophthalmia. Also called: Cryptophthalmos, unilateral or bilateral, isolated; ANKYLOBLEPHARON, SIMPLE. Identifiers: Orphanet 91396, MedGen C1852453, MONDO:0007410, OMIM 123570.
Inborn genetic diseases. Identifiers: MedGen C0950123, MeSH D030342.

gnomAD v4.1: 4 of 1,609,762 alleles (0.00025%); highest among the groups gnomAD compares: Admixed American, 0.005%; no homozygotes.

Submissions (3):

Ambry Genetics
Classification: Uncertain significance for Inborn genetic diseases. Last evaluated: 2024-09-10. Review status: criteria provided, single submitter. Criteria: Ambry Variant Classification Scheme 2023. Collection method: clinical testing. Allele origin: germline.

Fulgent Genetics
Classification: Uncertain significance for Isolated cryptophthalmia; Fraser syndrome 2. Last evaluated: 2024-02-14. Review status: criteria provided, single submitter. Criteria: ACMG Guidelines, 2015. Collection method: clinical testing. Allele origin: germline.

Labcorp Genetics (formerly Invitae), Labcorp
Classification: Uncertain significance. Last evaluated: 2023-09-05. Review status: criteria provided, single submitter. Criteria: Invitae Variant Classification Sherloc (09022015). Collection method: clinical testing. Allele origin: germline.
Comment: This variant has not been reported in the literature in individuals affected with FREM2-related conditions. This variant is not present in population databases (gnomAD no frequency). This sequence change replaces arginine, which is basic and polar, with glycine, which is neutral and non-polar, at codon 1737 of the FREM2 protein (p.Arg1737Gly). Advanced modeling of protein sequence and biophysical properties (such as structural, functional, and spatial information, amino acid conservation, physicochemical variation, residue mobility, and thermodynamic stability) performed at Invitae indicates that this missense variant is not expected to disrupt FREM2 protein function. In summary, the available evidence is currently insufficient to determine the role of this variant in disease. Therefore, it has been classified as a Variant of Uncertain Significance.

NM_207361.6(FREM2):c.5209A>G (p.Arg1737Gly)

Gene: FREM2 (FRAS1 related extracellular matrix 2; plus strand). Cytogenetic location: 13q13.3.
Variant type: single nucleotide variant.
Coding change: c.5209A>G on transcript NM_207361.6 (MANE Select); coding-DNA position 5209, A replaced by G.
Protein change: p.Arg1737Gly; replaces arginine 1737 with glycine.
Molecular consequence: missense variant.
Genome position (GRCh38, 1-based): chr13:38,697,733, A>G. VCF-style: chr13-38697733-A-G. GRCh37 (hg19) VCF-style: chr13-39271870-A-G.
Other names: c.5209A>G (NM_207361.4); short protein forms R1737G.
Identifiers: ClinVar variation 2959507 (VCV002959507.4), dbSNP rs1017554850, ClinGen allele CA387894795.
Genomic context (GRCh38, chr13:38,697,733, plus strand): 5'-ATCTTGTTTTTTGGTTATTTTCTAGCTGACATTGATGACATGAAAATATGCTATGTCTTA[A>G]GAGAAGGGGCTAATGCCACAAGTGATATGTTCTATTTTGCAGTTGAAGATGGTGGTAAGT-3'
Protein context (NP_997244.4, residues 1727-1747): IDDMKICYVL[Arg1737Gly]EGANATSDMF